The following is an entry in ClinVar:

ClinVar aggregate classification (germline): Uncertain significance (1 of 4 stars; one submission).

Submission:

GeneDx
Classification: Uncertain significance. Last evaluated: 2015-07-30. Review status: criteria provided, single submitter. Criteria: GeneDx Variant Classification (06012015). Collection method: clinical testing. Allele origin: germline. Affected: yes.
Comment: p.Leu190Ile (CTT>ATT): c.568C>A has not been published as a mutation, nor has it been reported as a benign polymorphism to our knowledge. L190I is a conservative amino acid substitution, which is not likely to impact secondary protein structure as these residues share similar properties. This substitution occurs at a position that is conserved across species; however, there are no nearby published missense mutations. In silico analysis is inconsistent in its predictions as to whether or not the variant is damaging to the protein structure/function. Therefore, based on the currently available information, it is unclear whether the L190I variant is a pathogenic mutation or a rare benign variant. The variant is found in ETFDH panel(s).

NM_004453.4(ETFDH):c.568C>A (p.Leu190Ile)

Gene: ETFDH (electron transfer flavoprotein dehydrogenase; plus strand). Cytogenetic location: 4q32.1.
Variant type: single nucleotide variant.
Coding change: c.568C>A on transcript NM_004453.4 (MANE Select); coding-DNA position 568, C replaced by A.
Protein change: p.Leu190Ile; replaces leucine 190 with isoleucine.
Molecular consequence: missense variant.
Genome position (GRCh38, 1-based): chr4:158,685,181, C>A. VCF-style: chr4-158685181-C-A. GRCh37 (hg19) VCF-style: chr4-159606333-C-A.
Other names: p.L190I:CTT>ATT; c.427C>A, p.Leu143Ile (NM_001281737.2); c.385C>A, p.Leu129Ile (NM_001281738.1); short protein forms L190I, L129I, L143I.
Identifiers: ClinVar variation 203714 (VCV000203714.2), dbSNP rs796051957, ClinGen allele CA312527.
Genomic context (GRCh38, chr4:158,685,181, plus strand): 5'-GGCAATTACATTGTACGCTTGGGACATTTAGTGAGCTGGATGGGCGAACAAGCAGAAGCC[C>A]TTGGTGTTGAAGTATACCCTGGTTATGCAGCTGCTGAGGTTTGTATAGTTTTGTTTTGTT-3'
Protein context (NP_004444.2, residues 180-200): VSWMGEQAEA[Leu190Ile]GVEVYPGYAA